The following is an entry in ClinVar:

ClinVar aggregate classification (germline): Uncertain significance. Review status: criteria provided, multiple submitters, no conflicts (2 of 4 stars). 4 submissions from 4 submitters: Uncertain significance (3). 1 of the submissions does not count toward it. Last evaluated 2025-03-17.

Conditions:
Hereditary cancer-predisposing syndrome. Also called: Neoplastic Syndromes, Hereditary; Hereditary Cancer Syndrome; Hereditary neoplastic syndrome; Tumor predisposition. Identifiers: Orphanet 140162, MedGen C0027672, MeSH D009386, MONDO:0015356.
Microcephaly, normal intelligence and immunodeficiency (NBS). Also called: Immunodeficiency, microcephaly with normal intelligence; SEEMANOVA SYNDROME II; Nijmegen breakage syndrome; Microcephaly with normal intelligence immunodeficiency and lymphoreticular malignancies; Nonsyndromal microcephaly autosomal recessive with normal intelligence; Seemanova syndrome 2. Identifiers: Orphanet 647, MedGen C0398791, MONDO:0009623, OMIM 251260.

Submissions (4):

Labcorp Genetics (formerly Invitae), Labcorp
Classification: Uncertain significance for Microcephaly, normal intelligence and immunodeficiency. Last evaluated: 2025-03-17. Review status: criteria provided, single submitter. Criteria: Invitae Variant Classification Sherloc (09022015). Collection method: clinical testing. Allele origin: germline.
Comment: This variant, c.1243_1244insTTA, results in the insertion of 1 amino acid(s) of the NBN protein (p.Asn414_Ser415insIle), but otherwise preserves the integrity of the reading frame. This variant is not present in population databases (gnomAD no frequency). This variant has not been reported in the literature in individuals affected with NBN-related conditions. ClinVar contains an entry for this variant (Variation ID: 141149). Experimental studies and prediction algorithms are not available or were not evaluated, and the functional significance of this variant is currently unknown. In summary, the available evidence is currently insufficient to determine the role of this variant in disease. Therefore, it has been classified as a Variant of Uncertain Significance.

Genome-Nilou Lab
Classification: Uncertain significance for Microcephaly, normal intelligence and immunodeficiency. Last evaluated: 2021-11-07. Review status: criteria provided, single submitter. Criteria: ACMG Guidelines, 2015. Collection method: clinical testing. Allele origin: germline. Affected: no.

Ambry Genetics
Classification: Uncertain significance for Hereditary cancer-predisposing syndrome. Last evaluated: 2019-12-24. Review status: criteria provided, single submitter. Criteria: Ambry Variant Classification Scheme 2023. Collection method: clinical testing. Allele origin: germline.
Comment: The c.1243_1244insTTA variant (also known as p.N414_S415insI), located in coding exon 10 of the NBN gene, results from an in-frame TTA insertion between nucleotide positions 1243 and 1244. This results in the insertion of an extra isoleucine residue between codons 414 and 415. This amino acid position is not well conserved in available vertebrate species. In addition, this alteration is predicted to be neutral by in silico analysis (Choi Y et al. PLoS ONE. 2012; 7(10):e46688). Since supporting evidence is limited at this time, the clinical significance of this alteration remains unclear.

Natera, Inc.
Classification: Uncertain significance for Nijmegen breakage syndrome. Last evaluated: 2020-09-16. Review status: no assertion criteria provided. Collection method: clinical testing. Allele origin: germline. Not counted in ClinVar's aggregate classification.

NM_002485.5(NBN):c.1243_1244insTTA (p.Asn414_Ser415insIle)

Gene: NBN (nibrin; minus strand). Cytogenetic location: 8q21.3.
Variant type: Insertion.
Coding change: c.1243_1244insTTA on transcript NM_002485.5 (MANE Select); coding-DNA positions 1243 to 1244, TTA inserted.
Protein change: p.Asn414_Ser415insIle.
Molecular consequence: inframe insertion.
Genome position: GRCh38 VCF-style: chr8-89955436-C-CTAA. GRCh37 (hg19) VCF-style: chr8-90967664-C-CTAA.
Other names: c.997_998insTTA, p.Asn332_Ser333insIle (NM_001024688.3).
Identifiers: ClinVar variation 141149 (VCV000141149.19), dbSNP rs587781532, ClinGen allele CA164613.